The following is an entry in ClinVar:

ClinVar aggregate classification (germline): Uncertain significance. Review status: criteria provided, multiple submitters, no conflicts (2 of 4 stars). 3 submissions from 3 submitters: Uncertain significance (3). Last evaluated 2026-01-13.

Conditions:
Normophosphatemic familial tumoral calcinosis. Also called: CALCINOSIS, TUMORAL, WITH NORMOPHOSPHATEMIA. Identifiers: Orphanet 306658, Orphanet 53715, MedGen C1864861, MONDO:0012502, OMIM 610455.

Allele frequency attached by ClinVar (database versions not stated): gnomAD exomes 0.00001.

Submissions (3):

Myriad Genetics, Inc.
Classification: Uncertain significance for Normophosphatemic familial tumoral calcinosis. Last evaluated: 2026-01-13. Review status: criteria provided, single submitter. Criteria: Myriad Autosomal Dominant, Autosomal Recessive and X-Linked Classification Criteria (2023). Collection method: clinical testing. Allele origin: unknown.
Comment: NM_017654.3(SAMD9):c.2209C>A(H737N) is a missense variant classified as a variant of uncertain significance in the context of normophosphatemic familial tumoral calcinosis. H737N has not been observed in cases with relevant disease. Relevant functional assessments of this variant are not available in the literature. H737N has not been observed in referenced population frequency databases. In summary, there is insufficient evidence to classify NM_017654.3(SAMD9):c.2209C>A(H737N) as pathogenic or benign. Please note: this variant was assessed in the context of healthy population screening.

Women's Health and Genetics/Laboratory Corporation of America, LabCorp
Classification: Uncertain significance. Last evaluated: 2025-12-30. Review status: criteria provided, single submitter. Criteria: LabCorp Variant Classification Summary - May 2015. Collection method: clinical testing. Allele origin: germline.
Comment: Variant summary: SAMD9 c.2209C>A (p.His737Asn) results in a conservative amino acid change in the encoded protein sequence. Algorithms developed to predict the effect of missense changes on protein structure and function are either unavailable or do not agree on the potential impact of this missense change. The variant was absent in 251336 control chromosomes. The available data on variant occurrences in the general population are insufficient to allow any conclusion about variant significance. To our knowledge, no occurrence of c.2209C>A in individuals affected with SAMD9-related conditions and no experimental evidence demonstrating its impact on protein function have been reported. ClinVar contains an entry for this variant (Variation ID: 1909467). Based on the evidence outlined above, the variant was classified as uncertain significance.

Labcorp Genetics (formerly Invitae), Labcorp
Classification: Uncertain significance. Last evaluated: 2024-11-13. Review status: criteria provided, single submitter. Criteria: Invitae Variant Classification Sherloc (09022015). Collection method: clinical testing. Allele origin: germline.
Comment: This sequence change replaces histidine, which is basic and polar, with asparagine, which is neutral and polar, at codon 737 of the SAMD9 protein (p.His737Asn). This variant is not present in population databases (gnomAD no frequency). This variant has not been reported in the literature in individuals affected with SAMD9-related conditions. ClinVar contains an entry for this variant (Variation ID: 1909467). Invitae Evidence Modeling of protein sequence and biophysical properties (such as structural, functional, and spatial information, amino acid conservation, physicochemical variation, residue mobility, and thermodynamic stability) has been performed for this missense variant. However, the output from this modeling did not meet the statistical confidence thresholds required to predict the impact of this variant on SAMD9 protein function. In summary, the available evidence is currently insufficient to determine the role of this variant in disease. Therefore, it has been classified as a Variant of Uncertain Significance.

NM_017654.4(SAMD9):c.2209C>A (p.His737Asn)

Gene: SAMD9 (sterile alpha motif domain containing 9; minus strand). Cytogenetic location: 7q21.2.
Variant type: single nucleotide variant.
Coding change: c.2209C>A on transcript NM_017654.4 (MANE Select); coding-DNA position 2209, C replaced by A.
Protein change: p.His737Asn; replaces histidine 737 with asparagine.
Molecular consequence: missense variant.
Genome position (GRCh38, 1-based): chr7:93,103,889, G>T on the plus strand (C>A on the coding strand, the complement: SAMD9 is on the minus strand). VCF-style: chr7-93103889-G-T. GRCh37 (hg19) VCF-style: chr7-92733202-G-T.
Other names: c.2209C>A, p.His737Asn (NM_001193307.2); short protein forms H737N.
Identifiers: ClinVar variation 1909467 (VCV001909467.6), dbSNP rs2535358793, ClinGen allele CA368192170.